The following is an entry in ClinVar:

NM_014141.6(CNTNAP2):c.3379A>G (p.Lys1127Glu)

Gene: CNTNAP2 (contactin associated protein 2; plus strand). Cytogenetic location: 7q36.1.
Variant type: single nucleotide variant.
Coding change: c.3379A>G on transcript NM_014141.6 (MANE Select); coding-DNA position 3379, A replaced by G.
Protein change: p.Lys1127Glu; replaces lysine 1127 with glutamic acid.
Molecular consequence: missense variant.
Genome position (GRCh38, 1-based): chr7:148,229,777, A>G. VCF-style: chr7-148229777-A-G. GRCh37 (hg19) VCF-style: chr7-147926869-A-G.
Other names: short protein forms K1127E.
Identifiers: ClinVar variation 420409 (VCV000420409.10), dbSNP rs1032665509, ClinGen allele CA16618389.

ClinVar aggregate classification (germline): Uncertain significance. Review status: criteria provided, multiple submitters, no conflicts (2 of 4 stars). 3 submissions from 3 submitters: Uncertain significance (3). Last evaluated 2025-02-03.

Conditions:
Cortical dysplasia-focal epilepsy syndrome (PTHSL1). Also called: Pitt-Hopkins-like syndrome 1. Identifiers: Orphanet 163681, Orphanet 221150, MedGen C2750246, MONDO:0012400, OMIM 610042.
Inborn genetic diseases. Identifiers: MedGen C0950123, MeSH D030342.

Allele frequency attached by ClinVar (database versions not stated): gnomAD exomes below 0.00001; gnomAD 0.00001; TOPMed 0.00002.
gnomAD v4.1: 5 of 1,613,974 alleles (0.00031%); highest among the groups gnomAD compares: Admixed American, 0.0033%; no homozygotes.

Submissions (3):

Labcorp Genetics (formerly Invitae), Labcorp
Classification: Uncertain significance for Cortical dysplasia-focal epilepsy syndrome. Last evaluated: 2025-02-03. Review status: criteria provided, single submitter. Criteria: Invitae Variant Classification Sherloc (09022015). Collection method: clinical testing. Allele origin: germline.
Comment: This sequence change replaces lysine, which is basic and polar, with glutamic acid, which is acidic and polar, at codon 1127 of the CNTNAP2 protein (p.Lys1127Glu). This variant is present in population databases (no rsID available, gnomAD 0.003%). This variant has not been reported in the literature in individuals affected with CNTNAP2-related conditions. ClinVar contains an entry for this variant (Variation ID: 420409). An algorithm developed to predict the effect of missense changes on protein structure and function (PolyPhen-2) suggests that this variant¬†is likely to be tolerated. In summary, the available evidence is currently insufficient to determine the role of this variant in disease. Therefore, it has been classified as a Variant of Uncertain Significance.

Ambry Genetics
Classification: Uncertain significance for Inborn genetic diseases. Last evaluated: 2024-08-23. Review status: criteria provided, single submitter. Criteria: Ambry Variant Classification Scheme 2023. Collection method: clinical testing. Allele origin: germline.

GeneDx
Classification: Uncertain significance. Last evaluated: 2016-09-15. Review status: criteria provided, single submitter. Criteria: GeneDx Variant Classification (06012015). Collection method: clinical testing. Allele origin: germline. Affected: yes.
Comment: A variant of uncertain significance has been identified in the CNTNAP2 gene. The K1127E variant has not been published as a pathogenic variant, nor has it been reported as a benign variant to our knowledge. It was not observed in approximately 6,500 individuals of European and African American ancestry in the NHLBI Exome Sequencing Project, indicating it is not a common benign variant in these populations. The K1127E variant is a non-conservative amino acid substitution, which is likely to impact secondary protein structure as these residues differ in polarity, charge, size and/or other properties. Additionally, a missense variant in a nearby residue (D1129H) has been reported in the Human Gene Mutation Database in association with a CNTNAP2-related disorder (Stenson et al., 2014). However, this substitution occurs at a position that is not conserved. In silico analysis is inconsistent in its predictions as to whether or not the variant is damaging to the protein structure/function. Therefore, based on the currently available information, it is unclear whether this variant is a pathogenic variant or a rare benign variant.